The following is an entry in ClinVar:

ClinVar aggregate classification (germline): Uncertain significance (1 of 4 stars; one submission).

Conditions:
Birt-Hogg-Dube syndrome. Also called: Birt Hogg Dubé syndrome. Identifiers: Orphanet 122, MedGen C0346010, MONDO:0800444.

Submission:

Labcorp Genetics (formerly Invitae), Labcorp
Classification: Uncertain significance for Birt-Hogg-Dube syndrome. Last evaluated: 2025-02-03. Review status: criteria provided, single submitter. Criteria: Invitae Variant Classification Sherloc (09022015). Collection method: clinical testing. Allele origin: germline.
Comment: This variant, c.745_747del, results in the deletion of 1 amino acid(s) of the FLCN protein (p.Asn249del), but otherwise preserves the integrity of the reading frame. This variant is not present in population databases (gnomAD no frequency). This variant has not been reported in the literature in individuals affected with FLCN-related conditions. Experimental studies and prediction algorithms are not available or were not evaluated, and the functional significance of this variant is currently unknown. In summary, the available evidence is currently insufficient to determine the role of this variant in disease. Therefore, it has been classified as a Variant of Uncertain Significance.

NM_144997.7(FLCN):c.745_747del (p.Asn249del)

Gene: FLCN (folliculin; minus strand). Cytogenetic location: 17p11.2.
Variant type: Deletion.
Coding change: c.745_747del on transcript NM_144997.7 (MANE Select); coding-DNA positions 745 to 747, 3 bases deleted (AAC; older notation c.745_747delAAC).
Protein change: p.Asn249del; deletes asparagine 249.
Molecular consequence: inframe deletion.
Genome position (GRCh38, 1-based): chr17:17,222,533-17,222,535, GTT deleted on the plus strand (AAC on the coding strand, the reverse complement: FLCN is on the minus strand); deleting any 3 consecutive bases within chr17:17,222,533-17,222,537 gives the same sequence; the c. name uses the placement nearest the transcript's 3' end. VCF-style (leftmost placement, unchanged base first): chr17-17222532-GGTT-G. GRCh37 (hg19) VCF-style: chr17-17125846-GGTT-G.
Other names: c.799_801del, p.Asn267del (NM_001353229.2); c.745_747del, p.Asn249del (NM_001353230.2, NM_001353231.2, NM_144606.7); short protein forms N249del, N267del.
Identifiers: ClinVar variation 4710570 (VCV004710570.1).
Genomic context (GRCh38, chr17:17,222,532, plus strand): 5'-GATATGCCAAAAGCAGAGACGCCCGTTACCAGGCAAAGGAGGTGTGCAGGCACGCCCACA[GGTT>G]GTCATCACTTGTCAGCGATGTCAGCGAGCGGGCGGCGTTGCCGTTCCTCTGGTGTAGGAA-3'